The following is an entry in ClinVar:

ClinVar aggregate classification (germline): Uncertain significance (1 of 4 stars; one submission).

Conditions:
POLD1-related polyposis and colorectal cancer syndrome (CRCS10). Also called: Colorectal cancer 10; Colorectal cancer, susceptibility to, 10; COLORECTAL CANCER, SUSCEPTIBILITY TO, ON CHROMOSOME 19q. Identifiers: Orphanet 220460, MedGen C2675481, MONDO:0012953, OMIM 612591.

Submission:

Labcorp Genetics (formerly Invitae), Labcorp
Classification: Uncertain significance for POLD1-related polyposis and colorectal cancer syndrome. Last evaluated: 2023-12-04. Review status: criteria provided, single submitter. Criteria: Invitae Variant Classification Sherloc (09022015). Collection method: clinical testing. Allele origin: germline.
Comment: This sequence change replaces leucine, which is neutral and non-polar, with valine, which is neutral and non-polar, at codon 621 of the POLD1 protein (p.Leu621Val). This variant is not present in population databases (gnomAD no frequency). This variant has not been reported in the literature in individuals affected with POLD1-related conditions. Advanced modeling of protein sequence and biophysical properties (such as structural, functional, and spatial information, amino acid conservation, physicochemical variation, residue mobility, and thermodynamic stability) performed at Invitae indicates that this missense variant is not expected to disrupt POLD1 protein function with a negative predictive value of 80%. In summary, the available evidence is currently insufficient to determine the role of this variant in disease. Therefore, it has been classified as a Variant of Uncertain Significance.

NM_002691.4(POLD1):c.1861C>G (p.Leu621Val)

Gene: POLD1 (DNA polymerase delta 1, catalytic subunit; plus strand). Cytogenetic location: 19q13.33.
Variant type: single nucleotide variant.
Coding change: c.1861C>G on transcript NM_002691.4 (MANE Select); coding-DNA position 1861, C replaced by G.
Protein change: p.Leu621Val; replaces leucine 621 with valine.
Molecular consequence: missense variant. On other transcripts: non-coding transcript variant (1).
Genome position (GRCh38, 1-based): chr19:50,408,870, C>G. VCF-style: chr19-50408870-C-G. GRCh37 (hg19) VCF-style: chr19-50912127-C-G.
Other names: c.1861C>G, p.Leu621Val (NM_001256849.1); c.1939C>G, p.Leu647Val (NM_001308632.1); short protein forms L647V, L621V.
Identifiers: ClinVar variation 2700742 (VCV002700742.3), dbSNP rs1471881768, ClinGen allele CA406982112.